The following is an entry in ClinVar:

NM_000548.5(TSC2):c.365T>A (p.Leu122His)

Gene: TSC2 (TSC complex subunit 2; plus strand). Cytogenetic location: 16p13.3.
Variant type: single nucleotide variant.
Coding change: c.365T>A on transcript NM_000548.5 (MANE Select); coding-DNA position 365, T replaced by A.
Protein change: p.Leu122His; replaces leucine 122 with histidine.
Molecular consequence: missense variant. On other transcripts: intron variant (1).
Genome position (GRCh38, 1-based): chr16:2,054,324, T>A. VCF-style: chr16-2054324-T-A. GRCh37 (hg19) VCF-style: chr16-2104325-T-A.
Other names: c.365T>A, p.Leu122His (NM_001077183.3, NM_001114382.3, NM_001363528.2 and 3 more transcripts); c.254T>A, p.Leu85His (NM_001318827.2); c.218T>A, p.Leu73His (NM_001318829.2); c.398T>A, p.Leu133His (NM_001318832.2); c.-1-1872T>A (NM_001318831.2); short protein forms L73H, L122H, L133H, L85H.
Identifiers: ClinVar variation 664431 (VCV000664431.15), dbSNP rs756263581, ClinGen allele CA394306656.
Genomic context (GRCh38, chr16:2,054,324, plus strand): 5'-GGCTCTGCTGATCCTGTGGCTTTTGTCTTTAGGGCGAGCGTTTGGGGGTCCTCAGAGCCC[T>A]CTTCTTTAAGGTCATCAAGGATTACCCTTCCAACGAAGACCTTCACGAAAGGCTGGAGGT-3'
Protein context (NP_000539.2, residues 112-132): QGERLGVLRA[Leu122His]FFKVIKDYPS

ClinVar aggregate classification (germline): Conflicting classifications of pathogenicity. Review status: criteria provided, conflicting classifications (1 of 4 stars). 3 submissions from 3 submitters: Uncertain significance (2); Benign (1). Last evaluated 2025-01-29.

Conditions:
Hereditary cancer-predisposing syndrome. Also called: Neoplastic Syndromes, Hereditary; Hereditary neoplastic syndrome; Tumor predisposition; Hereditary Cancer Syndrome. Identifiers: Orphanet 140162, MedGen C0027672, MeSH D009386, MONDO:0015356.
Tuberous sclerosis 2 (TSC2). Identifiers: Orphanet 805, MedGen C1860707, MONDO:0013199, OMIM 613254.
Isolated focal cortical dysplasia type II (FCORD2). Also called: CORTICAL DYSPLASIA OF TAYLOR; Focal cortical dysplasia type II. Identifiers: Orphanet 268994, MedGen C1846385, MONDO:0011818, OMIM 607341, HP:0032051.
Lymphangiomyomatosis (LAM). Also called: Lymphangioleiomyomatosis; Lymphangioleiomyomatosis, somatic. Identifiers: Orphanet 538, MedGen C0751674, MONDO:0011705, OMIM 606690.

gnomAD v4.1: 1 of 1,614,188 alleles (0.000062%); highest among the groups gnomAD compares: Non-Finnish European, 0.000085%; no homozygotes.

Submissions (3):

Labcorp Genetics (formerly Invitae), Labcorp
Classification: Benign for Tuberous sclerosis 2. Last evaluated: 2025-01-29. Review status: criteria provided, single submitter. Criteria: Invitae Variant Classification Sherloc (09022015). Collection method: clinical testing. Allele origin: germline.

Ambry Genetics
Classification: Uncertain significance for Hereditary cancer-predisposing syndrome. Last evaluated: 2024-07-24. Review status: criteria provided, single submitter. Criteria: Ambry Variant Classification Scheme 2023. Collection method: clinical testing. Allele origin: germline.
Comment: The p.L122H variant (also known as c.365T>A), located in coding exon 4 of the TSC2 gene, results from a T to A substitution at nucleotide position 365. The leucine at codon 122 is replaced by histidine, an amino acid with similar properties. This amino acid position is poorly conserved in available vertebrate species. In addition, the in silico prediction for this alteration is inconclusive. Since supporting evidence is limited at this time, the clinical significance of this alteration remains unclear.

Fulgent Genetics
Classification: Uncertain significance for Lymphangiomyomatosis; Isolated focal cortical dysplasia type II; Tuberous sclerosis 2. Last evaluated: 2021-12-21. Review status: criteria provided, single submitter. Criteria: ACMG Guidelines, 2015. Collection method: clinical testing. Allele origin: unknown.